The following is an entry in ClinVar:

NM_152383.5(DIS3L2):c.194G>A (p.Arg65Lys)

Gene: DIS3L2 (DIS3 like 3'-5' exoribonuclease 2; plus strand). Cytogenetic location: 2q37.1.
Variant type: single nucleotide variant.
Coding change: c.194G>A on transcript NM_152383.5 (MANE Select); coding-DNA position 194, G replaced by A.
Protein change: p.Arg65Lys; replaces arginine 65 with lysine.
Molecular consequence: missense variant. On other transcripts: non-coding transcript variant (2).
Genome position (GRCh38, 1-based): chr2:232,015,655, G>A. VCF-style: chr2-232015655-G-A. GRCh37 (hg19) VCF-style: chr2-232880365-G-A.
Other names: c.194G>A, p.Arg65Lys (NM_001257281.2, NM_001257282.2); short protein forms R65K.
Identifiers: ClinVar variation 2980509 (VCV002980509.3), dbSNP rs2469595986, ClinGen allele CA351152104.

ClinVar aggregate classification (germline): Uncertain significance (1 of 4 stars; one submission).

Conditions:
Perlman syndrome (PRLMNS). Identifiers: Orphanet 2849, MedGen C0796113, MONDO:0009965, OMIM 267000.

Submission:

Labcorp Genetics (formerly Invitae), Labcorp
Classification: Uncertain significance for Perlman syndrome. Last evaluated: 2023-10-14. Review status: criteria provided, single submitter. Criteria: Invitae Variant Classification Sherloc (09022015). Collection method: clinical testing. Allele origin: germline.
Comment: This sequence change replaces arginine, which is basic and polar, with lysine, which is basic and polar, at codon 65 of the DIS3L2 protein (p.Arg65Lys). This variant is not present in population databases (gnomAD no frequency). This variant has not been reported in the literature in individuals affected with DIS3L2-related conditions. Advanced modeling of protein sequence and biophysical properties (such as structural, functional, and spatial information, amino acid conservation, physicochemical variation, residue mobility, and thermodynamic stability) performed at Invitae indicates that this missense variant is not expected to disrupt DIS3L2 protein function. In summary, the available evidence is currently insufficient to determine the role of this variant in disease. Therefore, it has been classified as a Variant of Uncertain Significance.